The following is an entry in ClinVar:

ClinVar aggregate classification (germline): Benign/Likely benign. Review status: criteria provided, multiple submitters, no conflicts (2 of 4 stars). 4 submissions from 4 submitters: Benign (1); Likely benign (3). Last evaluated 2024-06-27.

Allele frequency attached by ClinVar (database versions not stated): gnomAD exomes 0.00025 and 0.00054; ExAC 0.00122; gnomAD 0.00306 and 0.00335; TOPMed 0.00334; ESP Exome Variant Server 0.00350; 1000 Genomes Project 0.00399; 1000 Genomes Project 30x 0.00468.
gnomAD v4.1: 830 of 1,550,904 alleles (0.054%); highest among the groups gnomAD compares: African/African-American, 0.99%; 4 homozygotes.

Submissions (4):

Blueprint Genetics
Classification: Likely benign. Last evaluated: 2024-06-27. Review status: criteria provided, single submitter. Criteria: ACMG Guidelines, 2015. Collection method: clinical testing. Allele origin: germline.

CeGaT Center for Human Genetics Tuebingen
Classification: Benign. Last evaluated: 2023-02-01. Review status: criteria provided, single submitter. Criteria: CeGaT Center For Human Genetics Tuebingen Variant Classification Criteria Version 2. Collection method: clinical testing. Allele origin: germline. Affected: yes. Observed: 1 variant allele.
Comment: PTPRQ: BS1, BS2

GeneDx
Classification: Likely benign. Last evaluated: 2021-06-17. Review status: criteria provided, single submitter. Criteria: GeneDx Variant Classification Process June 2021. Collection method: clinical testing. Allele origin: germline. Affected: yes.

Breakthrough Genomics
Classification: Likely benign. Review status: criteria provided, single submitter. Criteria: ACMG Guidelines, 2015. Collection method: not provided. Allele origin: germline. Inheritance: Autosomal recessive inheritance. Affected: yes.

NM_001145026.2(PTPRQ):c.5902G>A (p.Glu1968Lys)

Gene: PTPRQ (protein tyrosine phosphatase receptor type Q; plus strand). Cytogenetic location: 12q21.31.
Variant type: single nucleotide variant.
Coding change: c.5902G>A on transcript NM_001145026.2 (MANE Select); coding-DNA position 5902, G replaced by A.
Protein change: p.Glu1968Lys; replaces glutamic acid 1968 with lysine.
Molecular consequence: missense variant.
Genome position (GRCh38, 1-based): chr12:80,635,060, G>A. VCF-style: chr12-80635060-G-A. GRCh37 (hg19) VCF-style: chr12-81028839-G-A.
Other names: short protein forms E1968K.
Identifiers: ClinVar variation 1178613 (VCV001178613.32), dbSNP rs61696072, ClinGen allele CA6702882.